The following is an entry in ClinVar:

NM_001323289.2(CDKL5):c.2437A>G (p.Thr813Ala)

Gene: CDKL5 (cyclin dependent kinase like 5; plus strand). Cytogenetic location: Xp22.13.
Variant type: single nucleotide variant.
Coding change: c.2437A>G on transcript NM_001323289.2 (MANE Select); coding-DNA position 2437, A replaced by G.
Protein change: p.Thr813Ala; replaces threonine 813 with alanine.
Molecular consequence: missense variant.
Genome position (GRCh38, 1-based): chrX:18,625,188, A>G. VCF-style: chrX-18625188-A-G. GRCh37 (hg19) VCF-style: chrX-18643308-A-G.
Other names: c.2437A>G, p.Thr813Ala (NM_001037343.2, NM_003159.3); short protein forms T813A.
Identifiers: ClinVar variation 937086 (VCV000937086.10), dbSNP rs1927002061, ClinGen allele CA412365528.
Genomic context (GRCh38, chrX:18,625,188, plus strand): 5'-GTACCCAATTCCGACAGCCCTGATCTTCTGACGTTGCAGAAATCCATTCATTCTGCTAGC[A>G]CTCCAAGCAGCAGACCAAAGGAGTGGCGCCCCGAGAAGATCTCAGATCTGCAGACCCAAG-3'
Protein context (NP_001310218.1, residues 803-823): TLQKSIHSAS[Thr813Ala]PSSRPKEWRP

ClinVar aggregate classification (germline): Uncertain significance (1 of 4 stars; one submission).

Conditions:
Developmental and epileptic encephalopathy, 2 (DEE2). Also called: CDKL5 deficiency disorder; INFANTILE SPASM SYNDROME, X-LINKED 2. Identifiers: Orphanet 1934, Orphanet 3451, Orphanet 505652, MedGen C4750718, MONDO:0010396, OMIM 300672.
Angelman syndrome-like. Identifiers: MedGen CN128785.

Submission:

Labcorp Genetics (formerly Invitae), Labcorp
Classification: Uncertain significance for Developmental and epileptic encephalopathy, 2; Angelman syndrome-like. Last evaluated: 2022-07-26. Review status: criteria provided, single submitter. Criteria: Invitae Variant Classification Sherloc (09022015). Collection method: clinical testing. Allele origin: germline.
Comment: This variant has not been reported in the literature in individuals affected with CDKL5-related conditions. This variant is not present in population databases (gnomAD no frequency). This sequence change replaces threonine, which is neutral and polar, with alanine, which is neutral and non-polar, at codon 813 of the CDKL5 protein (p.Thr813Ala). ClinVar contains an entry for this variant (Variation ID: 937086). In summary, the available evidence is currently insufficient to determine the role of this variant in disease. Therefore, it has been classified as a Variant of Uncertain Significance. Advanced modeling of protein sequence and biophysical properties (such as structural, functional, and spatial information, amino acid conservation, physicochemical variation, residue mobility, and thermodynamic stability) performed at Invitae indicates that this missense variant is not expected to disrupt CDKL5 protein function.